The following is an entry in ClinVar:

NM_005609.4(PYGM):c.981C>T (p.Phe327=)

Gene: PYGM (glycogen phosphorylase, muscle associated; minus strand). Cytogenetic location: 11q13.1.
Variant type: single nucleotide variant.
Coding change: c.981C>T on transcript NM_005609.4 (MANE Select); coding-DNA position 981, C replaced by T.
Protein change: p.Phe327=; no amino-acid change (phenylalanine 327 retained).
Molecular consequence: synonymous variant.
Genome position (GRCh38, 1-based): chr11:64,754,711, G>A on the plus strand (C>T on the coding strand, the complement: PYGM is on the minus strand). VCF-style: chr11-64754711-G-A. GRCh37 (hg19) VCF-style: chr11-64522183-G-A.
Other names: c.717C>T, p.Phe239= (NM_001164716.1).
Identifiers: ClinVar variation 388197 (VCV000388197.33), dbSNP rs146289842, ClinGen allele CA6080057.

ClinVar aggregate classification (germline): Likely benign. Review status: criteria provided, multiple submitters, no conflicts (2 of 4 stars). 4 submissions from 4 submitters: Likely benign (4). Last evaluated 2026-01-28.

Conditions:
Glycogen storage disease, type V (GSD5). Also called: McArdle type glycogen storage disease; MYOPHOSPHORYLASE DEFICIENCY; PYGM DEFICIENCY; MCARDLE DISEASE; MUSCLE GLYCOGEN PHOSPHORYLASE DEFICIENCY. Identifiers: Orphanet 368, MedGen C0017924, MONDO:0009293, OMIM 232600.

Allele frequency attached by ClinVar (database versions not stated): gnomAD exomes 0.00003 and 0.00005; ExAC 0.00004; gnomAD 0.00015 and 0.00016; TOPMed 0.00022; ESP Exome Variant Server 0.00031.
gnomAD v4.1: 61 of 1,613,714 alleles (0.0038%); highest among the groups gnomAD compares: African/African-American, 0.052%; no homozygotes.

Submissions (4):

Labcorp Genetics (formerly Invitae), Labcorp
Classification: Likely benign for Glycogen storage disease, type V. Last evaluated: 2026-01-28. Review status: criteria provided, single submitter. Criteria: Invitae Variant Classification Sherloc (09022015). Collection method: clinical testing. Allele origin: germline.

CeGaT Center for Human Genetics Tuebingen
Classification: Likely benign. Last evaluated: 2023-05-01. Review status: criteria provided, single submitter. Criteria: CeGaT Center For Human Genetics Tuebingen Variant Classification Criteria Version 2. Collection method: clinical testing. Allele origin: germline. Affected: yes. Observed: 1 variant allele.
Comment: PYGM: BP4, BP7

GeneDx
Classification: Likely benign. Last evaluated: 2017-11-09. Review status: criteria provided, single submitter. Criteria: GeneDx Variant Classification (06012015). Collection method: clinical testing. Allele origin: germline. Affected: yes.
Comment: This variant is considered likely benign or benign based on one or more of the following criteria: it is a conservative change, it occurs at a poorly conserved position in the protein, it is predicted to be benign by multiple in silico algorithms, and/or has population frequency not consistent with disease.

Breakthrough Genomics
Classification: Likely benign. Review status: criteria provided, single submitter. Criteria: ACMG Guidelines, 2015. Collection method: not provided. Allele origin: germline. Inheritance: Autosomal recessive inheritance. Affected: yes.